The following is an entry in ClinVar:

NC_000009.11:g.(?_390451)_(422155_?)del

Gene: DOCK8 (dedicator of cytokinesis 8; plus strand). Cytogenetic location: 9p24.3.
Variant type: Deletion.
Identifiers: ClinVar variation 2427700 (VCV002427700.8).

ClinVar aggregate classification (germline): Pathogenic (1 of 4 stars; one submission).

Conditions:
Hyper-IgE recurrent infection syndrome 3, autosomal recessive. Also called: Autosomal recessive hyper-IgE syndrome due to ZNF341 deficiency; HYPER-IgE SYNDROME 3, AUTOSOMAL RECESSIVE, WITH RECURRENT INFECTIONS. Identifiers: Orphanet 641368, MedGen C4748969, MONDO:0032654, OMIM 618282.

Submission:

Labcorp Genetics (formerly Invitae), Labcorp
Classification: Pathogenic for Combined immunodeficiency due to DOCK8 deficiency. Last evaluated: 2022-07-14. Review status: criteria provided, single submitter. Criteria: Invitae Variant Classification Sherloc (09022015). Collection method: clinical testing. Allele origin: germline.
Comment: For these reasons, this variant has been classified as Pathogenic. This variant has not been reported in the literature in individuals affected with DOCK8-related conditions. This variant is a gross deletion of the genomic region encompassing exon(s) 24-33 of the DOCK8 gene. This deletion is out-of-frame, and is expected to create a premature termination codon and result in an absent or disrupted protein product. Loss-of-function variants in DOCK8 are known to be pathogenic (PMID: 14722525, 19776401).

Literature cited by the submitters: PubMed 14722525; PubMed 19776401.